The following is an entry in ClinVar:

ClinVar aggregate classification (germline): Conflicting classifications of pathogenicity. Review status: criteria provided, conflicting classifications (1 of 4 stars). 6 submissions from 5 submitters: Pathogenic (2); Likely pathogenic (2); Uncertain significance (2). Last evaluated 2026-09-17.

Conditions:
Intellectual developmental disorder, X-linked 50. Also called: MRX50; Intellectual disability, X-linked 50. Identifiers: Orphanet 777, MedGen C1848087, MONDO:0010251, OMIM 300115.
Inborn genetic diseases. Identifiers: MedGen C0950123, MeSH D030342.
Epilepsy, X-linked 1, with variable learning disabilities and behavior disorders. Also called: X-linked epilepsy-learning disabilities-behavior disorders syndrome. Identifiers: Orphanet 85294, MedGen C5774177, MONDO:0010339, OMIM 300491.

Submissions (6):

GeneDx
Classification: Pathogenic. Last evaluated: 2026-09-17. Review status: criteria provided, single submitter. Criteria: GeneDx Variant Classification Process June 2021. Collection method: clinical testing. Allele origin: germline.
Comment: Not observed at significant frequency in large population cohorts (gnomAD); Frameshift variant predicted to result in abnormal protein length as the last 119 amino acid(s) are replaced with 125 different amino acid(s), and other similar variants have been reported in HGMD; This variant is associated with the following publications: (PMID: 38576531, 39177219, 34078716)

Ambry Genetics
Classification: Likely pathogenic for Inborn genetic diseases. Last evaluated: 2026-07-13. Review status: criteria provided, single submitter. Criteria: Ambry Variant Classification Scheme 2023. Collection method: clinical testing. Allele origin: germline.
Comment: The c.1647_1650dupCGCC (p.S551Rfs*126) alteration, located in exon 12 (coding exon 12) of the SYN1 gene, consists of a duplication of CGCC at position 1647, causing a translational frameshift with a predicted alternate stop codon after 126 amino acids. This variant occurs at the 3' terminus of the SYN1 gene, is not expected to trigger nonsense-mediated mRNA decay and results in the elongation of the protein by 6 amino acids. This frameshift impacts the last 18% amino acids of the native protein. However, frameshifts are typically deleterious in nature and a significant portion of the protein is affected (Ambry internal data). This variant was not reported in population-based cohorts in the Genome Aggregation Database (gnomAD). This variant was reported in individual(s) with features consistent with SYN1-related neurodevelopmental disorder (Accogli, 2021; Ren, 2024). Based on the available evidence, this alteration is classified as likely pathogenic.

Laboratory of Genetics, Children's Clinical University Hospital Latvia
Classification: Likely pathogenic. Last evaluated: 2025-02-16. Review status: criteria provided, single submitter. Criteria: ACMG Guidelines, 2015. Collection method: clinical testing. Allele origin: germline. Affected: yes.

Labcorp Genetics (formerly Invitae), Labcorp
Classification: Pathogenic for Epilepsy, X-linked 1, with variable learning disabilities and behavior disorders. Last evaluated: 2024-01-08. Review status: criteria provided, single submitter. Criteria: Invitae Variant Classification Sherloc (09022015). Collection method: clinical testing. Allele origin: germline.
Comment: This sequence change results in a frameshift in the SYN1 gene (p.Ser551Argfs*126). While this is not anticipated to result in nonsense mediated decay, it is expected to disrupt the last 119 amino acid(s) of the SYN1 protein and extend the protein by 6 additional amino acid residues. The frequency data for this variant in the population databases is considered unreliable, as metrics indicate insufficient coverage at this position in the gnomAD database. This frameshift has been observed in individual(s) with SYN1-related conditions (PMID: 34078716). ClinVar contains an entry for this variant (Variation ID: 1994692). This variant disrupts a region of the SYN1 protein in which other variant(s) (p.Pro664Ser) have been determined to be pathogenic (Invitae). This suggests that this is a clinically significant region of the protein, and that variants that disrupt it are likely to be disease-causing. For these reasons, this variant has been classified as Pathogenic.

Baylor Genetics
Classification: Uncertain significance for Epilepsy, X-linked 1, with variable learning disabilities and behavior disorders. Last evaluated: 2021-04-13. Review status: criteria provided, single submitter. Criteria: ACMG Guidelines, 2015. Collection method: clinical testing. Allele origin: unknown.

Baylor Genetics
Classification: Uncertain significance for Intellectual developmental disorder, X-linked 50. Last evaluated: 2021-04-13. Review status: criteria provided, single submitter. Criteria: ACMG Guidelines, 2015. Collection method: clinical testing. Allele origin: unknown.

Literature cited by the submitters: PubMed 34078716 (cited by Ambry Genetics and Labcorp Genetics (formerly Invitae), Labcorp); PubMed 38576531 (cited by Ambry Genetics).

NM_006950.3(SYN1):c.1647_1650dup (p.Ser551fs)

Gene: SYN1 (synapsin I; minus strand). Cytogenetic location: Xp11.3.
Variant type: Microsatellite.
Coding change: c.1647_1650dup on transcript NM_006950.3 (MANE Select); coding-DNA positions 1647 to 1650, 4 bases duplicated (CGCC; older notation c.1647_1650dupCGCC).
Protein change: p.Ser551fs; shifts the reading frame from serine 551.
Molecular consequence: frameshift variant.
Genome position (GRCh38, 1-based): chrX:47,574,334-47,574,337, GGCG duplicated on the plus strand (CGCC on the coding strand, the reverse complement: SYN1 is on the minus strand); duplicating any 4 consecutive bases within chrX:47,574,334-47,574,348 gives the same sequence; the c. name uses the placement nearest the transcript's 3' end. VCF-style (leftmost placement, unchanged base first): chrX-47574333-A-AGGCG. GRCh37 (hg19) VCF-style: chrX-47433732-A-AGGCG.
Other names: c.1647_1650dupCGCC (NM_133499.2); c.1647_1650dup, p.Ser551fs (NM_133499.2); short protein forms S551fs.
Identifiers: ClinVar variation 1994692 (VCV001994692.10), dbSNP rs1456167867, ClinGen allele CA2579596678.
Genomic context (GRCh38, chrX:47,574,333, plus strand): 5'-CAGAGACGGATGTCTGACGGGTAGCCTGTGGGGGGCCCGCCTGGCGCTGGGGAGACGGAG[A>AGGCG]GGCGGGCGGGCGGGCTGCTGGAGGCGCCCCGGGGCCTCCCGCCACTGGCCGGGATTGGCG-3'